The following is an entry in ClinVar:

NM_138694.4(PKHD1):c.7414A>G (p.Thr2472Ala)

Gene: PKHD1 (PKHD1 ciliary IPT domain containing fibrocystin/polyductin; minus strand). Cytogenetic location: 6p12.2.
Variant type: single nucleotide variant.
Coding change: c.7414A>G on transcript NM_138694.4 (MANE Select); coding-DNA position 7414, A replaced by G.
Protein change: p.Thr2472Ala; replaces threonine 2472 with alanine.
Molecular consequence: missense variant.
Genome position (GRCh38, 1-based): chr6:51,870,576, T>C on the plus strand (A>G on the coding strand, the complement: PKHD1 is on the minus strand). VCF-style: chr6-51870576-T-C. GRCh37 (hg19) VCF-style: chr6-51735374-T-C.
Other names: c.7414A>G, p.Thr2472Ala (NM_170724.3); short protein forms T2472A.
Identifiers: ClinVar variation 1379097 (VCV001379097.6), dbSNP rs137972951, ClinGen allele CA3851943.
Genomic context (GRCh38, chr6:51,870,576, plus strand): 5'-AACAGTCTGAACAGGTTCTAATGGCCACACAGTTGATGAGATCAAAATTAACAAAGGTTG[T>C]GTTAGACACCATCAGTTCCCATCTTTTAGGAGTTTTAATCCCAGATGACATACACAGACT-3'
Protein context (NP_619639.3, residues 2462-2482): PKRWELMVSN[Thr2472Ala]TFVNFDLINC

ClinVar aggregate classification (germline): Uncertain significance. Review status: criteria provided, multiple submitters, no conflicts (2 of 4 stars). 2 submissions from 2 submitters: Uncertain significance (2). Last evaluated 2024-04-05.

Conditions:
Polycystic kidney disease 4 (PKD4). Also called: PKD3; POLYCYSTIC KIDNEY AND HEPATIC DISEASE 1; POLYCYSTIC KIDNEY DISEASE, INFANTILE, TYPE I; POLYCYSTIC KIDNEY DISEASE 4 WITH OR WITHOUT POLYCYSTIC LIVER DISEASE; Autosomal Recessive Polycystic Kidney Disease – PKHD1. Identifiers: MedGen C4540575, MONDO:0033004, OMIM 263200.
Autosomal recessive polycystic kidney disease (ARPKD). Also called: AR polycystic kidney disease. Identifiers: Orphanet 731, Orphanet 8378, MedGen C0085548, MeSH D017044, MONDO:0009889.

Allele frequency attached by ClinVar (database versions not stated): gnomAD exomes below 0.00001 and 0.00001; ExAC 0.00001; gnomAD 0.00001; TOPMed 0.00002; ESP Exome Variant Server 0.00008.
gnomAD v4.1: 14 of 1,607,592 alleles (0.00087%); highest among the groups gnomAD compares: Middle Eastern, 0.016%; no homozygotes.

Submissions (2):

Fulgent Genetics
Classification: Uncertain significance for Polycystic kidney disease 4. Last evaluated: 2024-04-05. Review status: criteria provided, single submitter. Criteria: ACMG Guidelines, 2015. Collection method: clinical testing. Allele origin: germline.

Labcorp Genetics (formerly Invitae), Labcorp
Classification: Uncertain significance for Autosomal recessive polycystic kidney disease. Last evaluated: 2021-09-17. Review status: criteria provided, single submitter. Criteria: Invitae Variant Classification Sherloc (09022015). Collection method: clinical testing. Allele origin: germline.
Comment: This sequence change replaces threonine with alanine at codon 2472 of the PKHD1 protein (p.Thr2472Ala). The threonine residue is highly conserved and there is a small physicochemical difference between threonine and alanine. This variant is present in population databases (rs137972951, ExAC 0.001%). This variant has not been reported in the literature in individuals affected with PKHD1-related conditions. Advanced modeling of protein sequence and biophysical properties (such as structural, functional, and spatial information, amino acid conservation, physicochemical variation, residue mobility, and thermodynamic stability) performed at Invitae indicates that this missense variant is expected to disrupt PKHD1 protein function. In summary, the available evidence is currently insufficient to determine the role of this variant in disease. Therefore, it has been classified as a Variant of Uncertain Significance.